The following is an entry in ClinVar:

ClinVar aggregate classification (germline): Pathogenic (1 of 4 stars; one submission).

Conditions:
Marfan syndrome (MFS). Also called: FBN1-Related Marfan Syndrome; MARFAN SYNDROME, TYPE I; Marfan syndrome type 1; Marfan's syndrome; Marfan syndrome, classic. Identifiers: Orphanet 284963, Orphanet 558, MedGen C0024796, MONDO:0007947, OMIM 154700.
Familial thoracic aortic aneurysm and aortic dissection (TAAD). Also called: Thoracic aortic aneurysms and dissections. Identifiers: Orphanet 91387, MedGen C4707243, MONDO:0019625.

Submission:

Labcorp Genetics (formerly Invitae), Labcorp
Classification: Pathogenic for Marfan syndrome; Familial thoracic aortic aneurysm and aortic dissection. Last evaluated: 2025-06-03. Review status: criteria provided, single submitter. Criteria: Invitae Variant Classification Sherloc (09022015). Collection method: clinical testing. Allele origin: germline.
Comment: This sequence change replaces cysteine, which is neutral and slightly polar, with arginine, which is basic and polar, at codon 2611 of the FBN1 protein (p.Cys2611Arg). This variant is not present in population databases (gnomAD no frequency). This missense change has been observed in individual(s) with Marfan syndrome (PMID: 27724990, 34916231). Invitae Evidence Modeling of protein sequence and biophysical properties (such as structural, functional, and spatial information, amino acid conservation, physicochemical variation, residue mobility, and thermodynamic stability) indicates that this missense variant is expected to disrupt FBN1 protein function with a positive predictive value of 95%. This variant affects a cysteine residue in the EGF-like, TGFBP or hybrid motif domains of FBN1. Cysteine residues are believed to be involved in intramolecular disulfide bridges and have been shown to be important for FBN1 protein structure (PMID: 16905551, 19349279). In addition, missense substitutions affecting cysteine residues within these domains are significantly overrepresented among patients with Marfan syndrome (PMID: 16571647, 17701892). For these reasons, this variant has been classified as Pathogenic.

Literature cited by the submitters: PubMed 27724990; PubMed 34916231; PubMed 16905551; PubMed 19349279; PubMed 16571647; PubMed 17701892.

NM_000138.5(FBN1):c.7831T>C (p.Cys2611Arg)

Gene: FBN1 (fibrillin 1; minus strand). Cytogenetic location: 15q21.1.
Variant type: single nucleotide variant.
Coding change: c.7831T>C on transcript NM_000138.5 (MANE Select); coding-DNA position 7831, T replaced by C.
Protein change: p.Cys2611Arg; replaces cysteine 2611 with arginine.
Molecular consequence: missense variant.
Genome position (GRCh38, 1-based): chr15:48,415,756, A>G on the plus strand (T>C on the coding strand, the complement: FBN1 is on the minus strand). VCF-style: chr15-48415756-A-G. GRCh37 (hg19) VCF-style: chr15-48707953-A-G.
Other names: c.7831T>C, p.Cys2611Arg (NM_001406716.1); short protein forms C2611R.
Identifiers: ClinVar variation 4783785 (VCV004783785.1).